The following is an entry in ClinVar:

ClinVar aggregate classification (germline): Pathogenic (1 of 4 stars; one submission).

Conditions:
Actin accumulation myopathy (CMYO2A). Also called: CONGENITAL MYOPATHY 2A, TYPICAL, AUTOSOMAL DOMINANT; Myopathy, actin, congenital, with cores; Nemaline myopathy 3, with intranuclear rods; Nemaline myopathy type 3; Myopathy, actin, congenital, with excess of thin myofilaments. Identifiers: Orphanet 98904, MedGen C3711389, MONDO:0008070, OMIM 161800.

Submission:

Labcorp Genetics (formerly Invitae), Labcorp
Classification: Pathogenic for Actin accumulation myopathy. Last evaluated: 2023-07-14. Review status: criteria provided, single submitter. Criteria: Invitae Variant Classification Sherloc (09022015). Collection method: clinical testing. Allele origin: germline.
Comment: This variant is not present in population databases (gnomAD no frequency). This variant, c.461_478del, results in the deletion of 6 amino acid(s) of the ACTA1 protein (p.Val154_Asp159del), but otherwise preserves the integrity of the reading frame. This variant has not been reported in the literature in individuals affected with ACTA1-related conditions. For these reasons, this variant has been classified as Pathogenic. This variant disrupts a region of the ACTA1 protein in which other variant(s) (p.Val154Leu) have been determined to be pathogenic (PMID: 25182138, 27854218; Invitae). This suggests that this is a clinically significant region of the protein, and that variants that disrupt it are likely to be disease-causing. ClinVar contains an entry for this variant (Variation ID: 464124).

Literature cited by the submitters: PubMed 25182138; PubMed 27854218.

NM_001100.4(ACTA1):c.461_478del (p.Val154_Asp159del)

Gene: ACTA1 (actin alpha 1, skeletal muscle; minus strand). Cytogenetic location: 1q42.13.
Variant type: Deletion.
Coding change: c.461_478del on transcript NM_001100.4 (MANE Select); coding-DNA positions 461 to 478, 18 bases deleted (TGCTGGACTCCGGCGACG).
Protein change: p.Val154_Asp159del.
Molecular consequence: inframe deletion.
Genome position (GRCh38, 1-based): chr1:229,432,408-229,432,425, CGTCGCCGGAGTCCAGCA deleted on the plus strand (TGCTGGACTCCGGCGACG on the coding strand, the reverse complement: ACTA1 is on the minus strand); deleting any 18 consecutive bases within chr1:229,432,408-229,432,427 gives the same sequence; the c. name uses the placement nearest the transcript's 3' end. VCF-style (leftmost placement, unchanged base first): chr1-229432407-CCGTCGCCGGAGTCCAGCA-C. GRCh37 (hg19) VCF-style: chr1-229568154-CCGTCGCCGGAGTCCAGCA-C.
Other names: c.461_478delTGCTGGACTCCGGCGACG (NM_001100.3).
Identifiers: ClinVar variation 464124 (VCV000464124.9), dbSNP rs1553255444, ClinGen allele CA658656989.